The following is an entry in ClinVar:

NM_000138.5(FBN1):c.6110A>G (p.Lys2037Arg)

Gene: FBN1 (fibrillin 1; minus strand). Cytogenetic location: 15q21.1.
Variant type: single nucleotide variant.
Coding change: c.6110A>G on transcript NM_000138.5 (MANE Select); coding-DNA position 6110, A replaced by G.
Protein change: p.Lys2037Arg; replaces lysine 2037 with arginine.
Molecular consequence: missense variant.
Genome position (GRCh38, 1-based): chr15:48,441,774, T>C on the plus strand (A>G on the coding strand, the complement: FBN1 is on the minus strand). VCF-style: chr15-48441774-T-C. GRCh37 (hg19) VCF-style: chr15-48733971-T-C.
Other names: short protein forms K2037R.
Identifiers: ClinVar variation 724608 (VCV000724608.15), dbSNP rs556131403, ClinGen allele CA056253.
Genomic context (GRCh38, chr15:48,441,774, plus strand): 5'-CACTTACCTTGGCACCTTCTTCCACTGGAGGACAAGGAAAACCCTTCTGGACACAGACAT[T>C]TGAAGCTGCCTTCAGTGTTACTGCATGTGCCCAGGGCACAAATTTCTGGCTCTTCGACAC-3'
Protein context (NP_000129.3, residues 2027-2047): GTCSNTEGSF[Lys2037Arg]CLCPEGFSLS

ClinVar aggregate classification (germline): Conflicting classifications of pathogenicity. Review status: criteria provided, conflicting classifications (1 of 4 stars). 3 submissions from 3 submitters: Uncertain significance (2); Likely benign (1). Last evaluated 2025-03-05.

Conditions:
Marfan syndrome (MFS). Also called: MARFAN SYNDROME, TYPE I; FBN1-Related Marfan Syndrome; Marfan syndrome type 1; Marfan's syndrome; Marfan syndrome, classic. Identifiers: Orphanet 284963, Orphanet 558, MedGen C0024796, MONDO:0007947, OMIM 154700.
Familial thoracic aortic aneurysm and aortic dissection (TAAD). Also called: Thoracic aortic aneurysms and dissections. Identifiers: Orphanet 91387, MedGen C4707243, MONDO:0019625.

Allele frequency attached by ClinVar (database versions not stated): gnomAD 0.00001; 1000 Genomes Project 30x 0.00016; TOPMed 0.00001; 1000 Genomes Project 0.00020.
gnomAD v4.1: 49 of 1,613,772 alleles (0.003%); highest among the groups gnomAD compares: South Asian, 0.048%; no homozygotes.

Submissions (3):

Labcorp Genetics (formerly Invitae), Labcorp
Classification: Likely benign for Marfan syndrome; Familial thoracic aortic aneurysm and aortic dissection. Last evaluated: 2025-03-05. Review status: criteria provided, single submitter. Criteria: Invitae Variant Classification Sherloc (09022015). Collection method: clinical testing. Allele origin: germline.

GeneDx
Classification: Uncertain significance. Last evaluated: 2021-03-10. Review status: criteria provided, single submitter. Criteria: GeneDx Variant Classification Process June 2021. Collection method: clinical testing. Allele origin: germline. Affected: yes.
Comment: Has not been previously published as pathogenic or benign to our knowledge; In silico analysis supports that this missense variant does not alter protein structure/function; Although located in a calcium-binding EGF-like domain of the FBN1 gene, it does not affect a cysteine residue within this domain; cysteine substitutions in the calcium-binding EGF-like domains represent the majority of pathogenic missense changes associated with FBN1-related disorders (Collod-Beroud et al., 2003); Reported in ClinVar (ClinVar Variant ID# 724608; Landrum et al., 2016)

Color Diagnostics, LLC DBA Color Health
Classification: Uncertain significance for Familial thoracic aortic aneurysm and aortic dissection. Last evaluated: 2018-12-06. Review status: criteria provided, single submitter. Criteria: ACMG Guidelines, 2015. Collection method: clinical testing. Allele origin: germline.
Comment: Variant of Uncertain Significance due to insufficient evidence: This missense variant is located in the calcium-binding EGF-like motif 35 of the FBN1 protein. Computational prediction tools and conservation analyses are inconclusive regarding the impact of this variant on the protein function. Computational splicing tools suggest that this variant may not impact RNA splicing. To our knowledge, functional assays have not been performed for this variant nor has this variant been reported in individuals affected with cardiovascular disorders in the literature. This variant has been identified in 25/245776 chromosomes (25/30782 South Asian chromosomes) in the general population by the Genome Aggregation Database (gnomAD). Although the relatively high frequency of this variant in the general population suggests that this variant is unlikely to be disease-causing, additional studies are necessary to rule out the pathogenicity of this variant conclusively.